The following is an entry in ClinVar:

ClinVar aggregate classification (germline): Pathogenic (1 of 4 stars; one submission).

Submission:

Labcorp Genetics (formerly Invitae), Labcorp
Classification: Pathogenic. Last evaluated: 2018-08-11. Review status: criteria provided, single submitter. Criteria: Invitae Variant Classification Sherloc (09022015). Collection method: clinical testing. Allele origin: germline.
Comment: This variant is a gross deletion of the genomic region encompassing exons 1-6 of the ERCC8 gene, which includes the initiator codon. The 5' end of this event is unknown as it extends beyond the assayed region for this gene and therefore may encompass additional genes. The 3' boundary is likely confined to intron 6 of the ERCC8 gene. This is expected to result in an absent or disrupted protein product. This variant has not been reported in the literature in individuals with ERCC8-related disease. Loss-of-function variants in ERCC8 are known to be pathogenic (PMID: 19894250, 21108394). For these reasons, this variant has been classified as Pathogenic.

Literature cited by the submitters: PubMed 19894250; PubMed 21108394.

NC_000005.10:g.(?_60903570)_(60945392_?)del

Genes: ERCC8 (ERCC excision repair 8, CSA ubiquitin ligase complex subunit; minus strand), ERCC8-AS1 (ERCC8 antisense RNA 1; plus strand), NDUFAF2 (NADH:ubiquinone oxidoreductase complex assembly factor 2; plus strand). Cytogenetic location: 5q12.1.
Variant type: Deletion.
Identifiers: ClinVar variation 662832 (VCV000662832.6).